The following is an entry in ClinVar:

NM_000051.4(ATM):c.8672G>C (p.Gly2891Ala)

Genes: ATM (ATM serine/threonine kinase; plus strand), C11orf65 (chromosome 11 open reading frame 65; minus strand). Cytogenetic location: 11q22.3.
Variant type: single nucleotide variant.
Coding change: c.8672G>C on transcript NM_000051.4 (MANE Select); coding-DNA position 8672, G replaced by C.
Protein change: p.Gly2891Ala; replaces glycine 2891 with alanine.
Molecular consequence: missense variant. On other transcripts: intron variant (2).
Genome position (GRCh38, 1-based): chr11:108,353,766, G>C. VCF-style: chr11-108353766-G-C. GRCh37 (hg19) VCF-style: chr11-108224493-G-C.
Other names: c.8672G>C, p.Gly2891Ala (NM_001351834.2); c.640+32154C>G (NM_001330368.2); c.695-18474C>G (NM_001351110.2); short protein forms G2891A.
Identifiers: ClinVar variation 1720865 (VCV001720865.8), dbSNP rs748192003, ClinGen allele CA382523440.

ClinVar aggregate classification (germline): Uncertain significance. Review status: criteria provided, multiple submitters, no conflicts (2 of 4 stars). 2 submissions from 2 submitters: Uncertain significance (2). Last evaluated 2023-05-04.

Conditions:
Hereditary cancer-predisposing syndrome. Also called: Hereditary neoplastic syndrome; Neoplastic Syndromes, Hereditary; Tumor predisposition; Hereditary Cancer Syndrome. Identifiers: Orphanet 140162, MedGen C0027672, MeSH D009386, MONDO:0015356.
Ataxia-telangiectasia syndrome (AT). Also called: Ataxia telangiectasia (A-T); LOUIS-BAR SYNDROME; Cerebello-oculocutaneous telangiectasia; Immunodeficiency with ataxia telangiectasia; Ataxia-telangiectasia, complementation group D; AT, COMPLEMENTATION GROUP C. Identifiers: Orphanet 100, MedGen C0004135, MONDO:0008840, OMIM 208900.

gnomAD v4.1: 1 of 1,599,628 alleles (0.000063%); highest among the groups gnomAD compares: Non-Finnish European, 0.000086%; no homozygotes.

Submissions (2):

Ambry Genetics
Classification: Uncertain significance for Hereditary cancer-predisposing syndrome. Last evaluated: 2023-05-04. Review status: criteria provided, single submitter. Criteria: Ambry Variant Classification Scheme 2023. Collection method: clinical testing. Allele origin: germline.
Comment: The c.8672G>C variant (also known as p.G2891A) is located in coding exon 59 of the ATM gene. The glycine at codon 2891 is replaced by alanine, an amino acid with similar properties. This change occurs in the first base pair of coding exon 59. This nucleotide position is highly conserved in available vertebrate species. In silico splice site analysis predicts that this alteration may result in the creation or strengthening of a novel splice acceptor site; however, direct evidence is insufficient at this time (Ambry internal data). Since supporting evidence is limited at this time, the clinical significance of this alteration remains unclear.

Labcorp Genetics (formerly Invitae), Labcorp
Classification: Uncertain significance for Ataxia-telangiectasia syndrome. Last evaluated: 2023-02-10. Review status: criteria provided, single submitter. Criteria: Invitae Variant Classification Sherloc (09022015). Collection method: clinical testing. Allele origin: germline.
Comment: This variant has not been reported in the literature in individuals affected with ATM-related conditions. This variant is not present in population databases (gnomAD no frequency). In summary, the available evidence is currently insufficient to determine the role of this variant in disease. Therefore, it has been classified as a Variant of Uncertain Significance. RNA analysis provides insufficient evidence to determine the effect of this variant on ATM splicing (Invitae). Algorithms developed to predict the effect of missense changes on protein structure and function (SIFT, PolyPhen-2, Align-GVGD) all suggest that this variant is likely to be disruptive. ClinVar contains an entry for this variant (Variation ID: 1720865). This sequence change replaces glycine, which is neutral and non-polar, with alanine, which is neutral and non-polar, at codon 2891 of the ATM protein (p.Gly2891Ala).